The following is an entry in ClinVar:

NM_005918.4(MDH2):c.577A>G (p.Asn193Asp)

Gene: MDH2 (malate dehydrogenase 2; plus strand). Cytogenetic location: 7q11.23.
Variant type: single nucleotide variant.
Coding change: c.577A>G on transcript NM_005918.4 (MANE Select); coding-DNA position 577, A replaced by G.
Protein change: p.Asn193Asp; replaces asparagine 193 with aspartic acid.
Molecular consequence: missense variant.
Genome position (GRCh38, 1-based): chr7:76,063,536, A>G. VCF-style: chr7-76063536-A-G. GRCh37 (hg19) VCF-style: chr7-75692854-A-G.
Other names: c.451A>G, p.Asn151Asp (NM_001282403.2); c.256A>G, p.Asn86Asp (NM_001282404.2); short protein forms N151D, N193D, N86D.
Identifiers: ClinVar variation 2876422 (VCV002876422.1), dbSNP rs200688825, ClinGen allele CA4305606.

ClinVar aggregate classification (germline): Uncertain significance (1 of 4 stars; one submission).

Allele frequency attached by ClinVar (database versions not stated): gnomAD exomes below 0.00001; gnomAD 0.00001; ExAC 0.00002; 1000 Genomes Project 30x 0.00031.
gnomAD v4.1: 3 of 1,614,244 alleles (0.00019%); highest among the groups gnomAD compares: East Asian, 0.0045%; no homozygotes.

Submission:

Labcorp Genetics (formerly Invitae), Labcorp
Classification: Uncertain significance. Last evaluated: 2023-12-19. Review status: criteria provided, single submitter. Criteria: Invitae Variant Classification Sherloc (09022015). Collection method: clinical testing. Allele origin: germline.
Comment: This sequence change replaces asparagine, which is neutral and polar, with aspartic acid, which is acidic and polar, at codon 193 of the MDH2 protein (p.Asn193Asp). This variant is present in population databases (rs200688825, gnomAD 0.01%). This variant has not been reported in the literature in individuals affected with MDH2-related conditions. Advanced modeling of protein sequence and biophysical properties (such as structural, functional, and spatial information, amino acid conservation, physicochemical variation, residue mobility, and thermodynamic stability) performed at Invitae indicates that this missense variant is not expected to disrupt MDH2 protein function with a negative predictive value of 80%. In summary, the available evidence is currently insufficient to determine the role of this variant in disease. Therefore, it has been classified as a Variant of Uncertain Significance.